The following is an entry in ClinVar:

ClinVar aggregate classification (germline): Pathogenic (1 of 4 stars; one submission).

Conditions:
Recessive dystrophic epidermolysis bullosa (RDEB). Also called: DYSTROPHIC EPIDERMOLYSIS BULLOSA, AUTOSOMAL RECESSIVE; EPIDERMOLYSIS BULLOSA DYSTROPHICA, HALLOPEAU-SIEMENS TYPE; Hallopeau-Siemens Disease; severe generalized recessive dystrophic epidermolysis bullosa; EPIDERMOLYSIS BULLOSA DYSTROPHICA, GENERALIZED SEVERE, AUTOSOMAL RECESSIVE; Epidermolysis Bullosa Distrophica Autosomal Recessive (RDEB). Identifiers: Orphanet 79408, Orphanet 79409, MedGen C0079474, MONDO:0009179, OMIM 226600.

Submission:

Myriad Genetics, Inc.
Classification: Pathogenic for Recessive dystrophic epidermolysis bullosa. Last evaluated: 2025-05-10. Review status: criteria provided, single submitter. Criteria: Myriad Autosomal Dominant, Autosomal Recessive and X-Linked Classification Criteria (2023). Collection method: clinical testing. Allele origin: unknown.
Comment: NM_000094.3(COL7A1):c.1712_1716del5(Y571Cfs*11) is expected to be pathogenic in the context of dystrophic epidermolysis bullosa. This variant is predicted to lead to an abnormal or absent protein product due to the creation of a premature termination codon in COL7A1, a gene where loss-of-function variants are known to be pathogenic. Please note: this variant was assessed in the context of healthy population screening.

NM_000094.4(COL7A1):c.1712_1716del (p.Tyr571fs)

Gene: COL7A1 (collagen type VII alpha 1 chain; minus strand). Cytogenetic location: 3p21.31.
Variant type: Deletion.
Coding change: c.1712_1716del on transcript NM_000094.4 (MANE Select); coding-DNA positions 1712 to 1716, 5 bases deleted (ACACT; older notation c.1712_1716delACACT).
Protein change: p.Tyr571fs; shifts the reading frame from tyrosine 571.
Molecular consequence: frameshift variant.
Genome position (GRCh38, 1-based): chr3:48,590,737-48,590,741, AGTGT deleted on the plus strand (ACACT on the coding strand, the reverse complement: COL7A1 is on the minus strand); deleting any 5 consecutive bases within chr3:48,590,737-48,590,743 gives the same sequence; the c. name uses the placement nearest the transcript's 3' end. VCF-style (leftmost placement, unchanged base first): chr3-48590736-CAGTGT-C. GRCh37 (hg19) VCF-style: chr3-48628169-CAGTGT-C.
Other names: short protein forms Y571fs.
Identifiers: ClinVar variation 5014415 (VCV005014415.1).